The following is an entry in ClinVar:

NM_004304.5(ALK):c.953-3C>T

Gene: ALK (ALK receptor tyrosine kinase; minus strand). Cytogenetic location: 2p23.2.
Variant type: single nucleotide variant.
Coding change: c.953-3C>T on transcript NM_004304.5 (MANE Select); 3 bases into the intron before coding-DNA position 953, C replaced by T.
Molecular consequence: intron variant.
Genome position (GRCh38, 1-based): chr2:29,532,119, G>A on the plus strand (C>T on the coding strand, the complement: ALK is on the minus strand). VCF-style: chr2-29532119-G-A. GRCh37 (hg19) VCF-style: chr2-29754985-G-A.
Identifiers: ClinVar variation 4039760 (VCV004039760.1).

ClinVar aggregate classification (germline): Uncertain significance (1 of 4 stars; one submission).

Conditions:
Hereditary cancer-predisposing syndrome. Also called: Neoplastic Syndromes, Hereditary; Tumor predisposition; Hereditary neoplastic syndrome; Hereditary Cancer Syndrome. Identifiers: Orphanet 140162, MedGen C0027672, MeSH D009386, MONDO:0015356.

Submission:

Ambry Genetics
Classification: Uncertain significance for Hereditary cancer-predisposing syndrome. Last evaluated: 2025-04-18. Review status: criteria provided, single submitter. Criteria: Ambry Variant Classification Scheme 2023. Collection method: clinical testing. Allele origin: germline.
Comment: The c.953-3C>T intronic variant results from a C to T substitution 3 nucleotides upstream from coding exon 4 in the ALK gene. This nucleotide position is well conserved in available vertebrate species. In silico splice site analysis predicts that this alteration will not have any significant effect on splicing. Based on the available evidence, the clinical significance of this variant remains unclear.